The following is an entry in ClinVar:

NM_000260.4(MYO7A):c.2219G>A (p.Arg740Gln)

Gene: MYO7A (myosin VIIA; plus strand). Cytogenetic location: 11q13.5.
Variant type: single nucleotide variant.
Coding change: c.2219G>A on transcript NM_000260.4 (MANE Select); coding-DNA position 2219, G replaced by A.
Protein change: p.Arg740Gln; replaces arginine 740 with glutamine.
Molecular consequence: missense variant.
Genome position (GRCh38, 1-based): chr11:77,177,580, G>A. VCF-style: chr11-77177580-G-A. GRCh37 (hg19) VCF-style: chr11-76888626-G-A.
Other names: c.2219G>A, p.Arg740Gln (NM_001127180.2); c.2186G>A, p.Arg729Gln (NM_001369365.1); c.2219G>A (NM_000260.3); short protein forms R729Q, R740Q.
Identifiers: ClinVar variation 1520727 (VCV001520727.6), dbSNP rs782276748, ClinGen allele CA6197764.

ClinVar aggregate classification (germline): Uncertain significance. Review status: criteria provided, multiple submitters, no conflicts (2 of 4 stars). 2 submissions from 2 submitters: Uncertain significance (2). Last evaluated 2026-01-12.

Conditions:
MYO7A-related disorder. Also called: MYO7A-related disorders.

Allele frequency attached by ClinVar (database versions not stated): TOPMed 0.00002; gnomAD 0.00003 and 0.00004; gnomAD exomes 0.00003; ExAC 0.00004.
gnomAD v4.1: 42 of 1,611,964 alleles (0.0026%); highest among the groups gnomAD compares: African/African-American, 0.008%; no homozygotes.

Submissions (2):

PreventionGenetics, part of Exact Sciences
Classification: Uncertain significance for MYO7A-related condition. Last evaluated: 2026-01-12. Review status: criteria provided, single submitter. Criteria: ACMG Guidelines, 2015. Collection method: clinical testing. Allele origin: germline.
Comment: The MYO7A c.2219G>A variant is predicted to result in the amino acid substitution p.Arg740Gln. This variant was reported in an individual with hearing loss (Table S2, Usami et al. 2022. PubMed ID: 34599366). This variant is reported in 0.015% of alleles in individuals of East Asian descent in gnomAD. At this time, the clinical significance of this variant is uncertain due to the absence of conclusive functional and genetic evidence.

Labcorp Genetics (formerly Invitae), Labcorp
Classification: Uncertain significance. Last evaluated: 2022-10-01. Review status: criteria provided, single submitter. Criteria: Invitae Variant Classification Sherloc (09022015). Collection method: clinical testing. Allele origin: germline.
Comment: This sequence change replaces arginine, which is basic and polar, with glutamine, which is neutral and polar, at codon 740 of the MYO7A protein (p.Arg740Gln). This variant is present in population databases (rs782276748, gnomAD 0.01%). This variant has not been reported in the literature in individuals affected with MYO7A-related conditions. ClinVar contains an entry for this variant (Variation ID: 1520727). Advanced modeling of protein sequence and biophysical properties (such as structural, functional, and spatial information, amino acid conservation, physicochemical variation, residue mobility, and thermodynamic stability) has been performed at Invitae for this missense variant, however the output from this modeling did not meet the statistical confidence thresholds required to predict the impact of this variant on MYO7A protein function. In summary, the available evidence is currently insufficient to determine the role of this variant in disease. Therefore, it has been classified as a Variant of Uncertain Significance.